The following is an entry in ClinVar:

NM_000268.4(NF2):c.343C>G (p.Gln115Glu)

Gene: NF2 (NF2, moesin-ezrin-radixin like (MERLIN) tumor suppressor; plus strand). Cytogenetic location: 22q12.2.
Variant type: single nucleotide variant.
Coding change: c.343C>G on transcript NM_000268.4 (MANE Select); coding-DNA position 343, C replaced by G.
Protein change: p.Gln115Glu; replaces glutamine 115 with glutamic acid.
Molecular consequence: missense variant. On other transcripts: non-coding transcript variant (1), intron variant (3).
Genome position (GRCh38, 1-based): chr22:29,639,192, C>G. VCF-style: chr22-29639192-C-G. GRCh37 (hg19) VCF-style: chr22-30035181-C-G.
Other names: c.343C>G, p.Gln115Glu (NM_016418.5, NM_181825.3, NM_181832.3 and 1 more transcripts); c.217C>G, p.Gln73Glu (NM_181828.3); c.240+2316C>G (NM_181829.3); c.115-3010C>G (NM_181830.3, NM_181831.3); short protein forms Q73E, Q115E.
Identifiers: ClinVar variation 662056 (VCV000662056.16), dbSNP rs1350618734, ClinGen allele CA411153353.

ClinVar aggregate classification (germline): Uncertain significance. Review status: criteria provided, multiple submitters, no conflicts (2 of 4 stars). 3 submissions from 3 submitters: Uncertain significance (3). Last evaluated 2025-10-09.

Conditions:
Hereditary cancer-predisposing syndrome. Also called: Tumor predisposition; Neoplastic Syndromes, Hereditary; Hereditary Cancer Syndrome; Hereditary neoplastic syndrome. Identifiers: Orphanet 140162, MedGen C0027672, MeSH D009386, MONDO:0015356.
Neurofibromatosis, type 2 (SWNV). Also called: BILATERAL ACOUSTIC NEUROFIBROMATOSIS; SCHWANNOMATOSIS, VESTIBULAR; NF2-Related Schwannomatosis. Identifiers: Orphanet 637, MedGen C0027832, MONDO:0007039, OMIM 101000. Disease mechanism: loss of function.

Allele frequency attached by ClinVar (database versions not stated): gnomAD exomes below 0.00001; gnomAD 0.00001; TOPMed 0.00001.
gnomAD v4.1: 7 of 1,614,070 alleles (0.00043%); highest among the groups gnomAD compares: Non-Finnish European, 0.00059%; no homozygotes.

Submissions (3):

Ambry Genetics
Classification: Uncertain significance for Hereditary cancer-predisposing syndrome. Last evaluated: 2025-10-09. Review status: criteria provided, single submitter. Criteria: Ambry Variant Classification Scheme 2023. Collection method: clinical testing. Allele origin: germline.
Comment: The p.Q115E variant (also known as c.343C>G), located in coding exon 3 of the NF2 gene, results from a C to G substitution at nucleotide position 343. The glutamine at codon 115 is replaced by glutamic acid, an amino acid with highly similar properties. This amino acid position is highly conserved in available vertebrate species. In addition, the in silico prediction for this alteration is inconclusive. Since supporting evidence is limited at this time, the clinical significance of this alteration remains unclear.

Labcorp Genetics (formerly Invitae), Labcorp
Classification: Uncertain significance for Neurofibromatosis, type 2. Last evaluated: 2025-09-09. Review status: criteria provided, single submitter. Criteria: Invitae Variant Classification Sherloc (09022015). Collection method: clinical testing. Allele origin: germline.
Comment: This sequence change replaces glutamine, which is neutral and polar, with glutamic acid, which is acidic and polar, at codon 115 of the NF2 protein (p.Gln115Glu). This variant is present in population databases (no rsID available, gnomAD 0.0009%). This variant has not been reported in the literature in individuals affected with NF2-related conditions. ClinVar contains an entry for this variant (Variation ID: 662056). Invitae Evidence Modeling of protein sequence and biophysical properties (such as structural, functional, and spatial information, amino acid conservation, physicochemical variation, residue mobility, and thermodynamic stability) indicates that this missense variant is expected to disrupt NF2 protein function with a positive predictive value of 80%. In summary, the available evidence is currently insufficient to determine the role of this variant in disease. Therefore, it has been classified as a Variant of Uncertain Significance.

All of Us Research Program, National Institutes of Health
Classification: Uncertain significance for Neurofibromatosis, type 2. Last evaluated: 2024-08-06. Review status: criteria provided, single submitter. Criteria: ACMG Guidelines, 2015. Collection method: clinical testing. Allele origin: germline. Inheritance: Autosomal dominant inheritance. Observed: 2 variant alleles, 2 heterozygotes.
Comment: This missense variant replaces glutamine with glutamic acid at codon 115 of the NF2 protein. Computational prediction is inconclusive regarding the impact of this variant on protein structure and function (internally defined REVEL score threshold 0.5 < inconclusive < 0.7, PMID: 27666373). To our knowledge, functional studies have not been reported for this variant. This variant has not been reported in individuals affected with NF2-related disorders in the literature. This variant has not been identified in the general population by the Genome Aggregation Database (gnomAD). The available evidence is insufficient to determine the role of this variant in disease conclusively. Therefore, this variant is classified as a Variant of Uncertain Significance.

This study involves interpretation of variants in research participants for the purpose of population health screening. Participant phenotype was not available at the time of variant classification. Additional details can be found in publication PMID: 35346344, PMCID: PMC8962531